The following is an entry in ClinVar:

ClinVar aggregate classification (germline): Pathogenic/Likely pathogenic. Review status: criteria provided, multiple submitters, no conflicts (2 of 4 stars). 2 submissions from 2 submitters: Pathogenic (1); Likely pathogenic (1). Last evaluated 2024-07-03.

Conditions:
Familial hypokalemia-hypomagnesemia (GTLMNS). Also called: HYPOMAGNESEMIA-HYPOKALEMIA, PRIMARY RENOTUBULAR, WITH HYPOCALCIURIA; POTASSIUM AND MAGNESIUM DEPLETION; gitelman syndrome. Identifiers: Orphanet 358, MedGen C0268450, MONDO:0009904, OMIM 263800.

Allele frequency attached by ClinVar (database versions not stated): TOPMed below 0.00001; ExAC 0.00001.
gnomAD v4.1: 1 of 1,614,196 alleles (0.000062%); highest among the groups gnomAD compares: Non-Finnish European, 0.000085%; no homozygotes.

Submissions (2):

Natera, Inc.
Classification: Likely pathogenic for Gitelman syndrome. Last evaluated: 2024-07-03. Review status: criteria provided, single submitter. Criteria: Natera Variant Classification Schema (03/2026). Collection method: clinical testing. Allele origin: germline.
Comment: The c.1758G>A variant in SLC12A3 is a nonsense variant predicted to introduce a stop codon at amino acid 586. This variant is expected to result in nonsense mediated decay, truncation, or a dysfunctional protein product. This variant is rare in the general population with a frequency below the threshold expected for the associated phenotype(s). Given the available evidence, this variant is classified as Likely Pathogenic.

Labcorp Genetics (formerly Invitae), Labcorp
Classification: Pathogenic. Last evaluated: 2023-12-12. Review status: criteria provided, single submitter. Criteria: Invitae Variant Classification Sherloc (09022015). Collection method: clinical testing. Allele origin: germline.
Comment: This sequence change creates a premature translational stop signal (p.Trp586*) in the SLC12A3 gene. It is expected to result in an absent or disrupted protein product. Loss-of-function variants in SLC12A3 are known to be pathogenic (PMID: 20848653, 22009145, 25841442). This variant is present in population databases (rs759336529, gnomAD 0.007%). This variant has not been reported in the literature in individuals affected with SLC12A3-related conditions. For these reasons, this variant has been classified as Pathogenic.

Literature cited by the submitters: PubMed 20848653 (cited by Labcorp Genetics (formerly Invitae), Labcorp); PubMed 22009145 (cited by Labcorp Genetics (formerly Invitae), Labcorp); PubMed 25841442 (cited by Labcorp Genetics (formerly Invitae), Labcorp).

NM_001126108.2(SLC12A3):c.1758G>A (p.Trp586Ter)

Gene: SLC12A3 (solute carrier family 12 member 3; plus strand). Cytogenetic location: 16q13.
Variant type: single nucleotide variant.
Coding change: c.1758G>A on transcript NM_001126108.2 (MANE Select); coding-DNA position 1758, G replaced by A.
Protein change: p.Trp586Ter; replaces tryptophan 586 with a stop codon.
Molecular consequence: nonsense.
Genome position (GRCh38, 1-based): chr16:56,884,137, G>A. VCF-style: chr16-56884137-G-A. GRCh37 (hg19) VCF-style: chr16-56918049-G-A.
Other names: c.1758G>A, p.Trp586Ter (NM_000339.3); c.1755G>A, p.Trp585Ter (NM_001126107.2, NM_001410896.1); c.1758G>A (NM_000339.2); short protein forms W585*, W586*.
Identifiers: ClinVar variation 2874064 (VCV002874064.4), dbSNP rs759336529, ClinGen allele CA8069596.